The following is an entry in ClinVar:

NM_024589.3(ROGDI):c.531G>A (p.Thr177=)

Gene: ROGDI (rogdi atypical leucine zipper; minus strand). Cytogenetic location: 16p13.3.
Variant type: single nucleotide variant.
Coding change: c.531G>A on transcript NM_024589.3 (MANE Select); coding-DNA position 531, G replaced by A.
Protein change: p.Thr177=; no amino-acid change (threonine 177 retained).
Molecular consequence: synonymous variant. On other transcripts: non-coding transcript variant (1).
Genome position (GRCh38, 1-based): chr16:4,798,569, C>T on the plus strand (G>A on the coding strand, the complement: ROGDI is on the minus strand). VCF-style: chr16-4798569-C-T. GRCh37 (hg19) VCF-style: chr16-4848570-C-T.
Identifiers: ClinVar variation 853841 (VCV000853841.7), dbSNP rs930841516, ClinGen allele CA277136822.

ClinVar aggregate classification (germline): Uncertain significance. Review status: criteria provided, multiple submitters, no conflicts (2 of 4 stars). 3 submissions from 3 submitters: Uncertain significance (2). 1 of the submissions does not count toward it. Last evaluated 2022-06-22.

Conditions:
ROGDI-related disorder. Also called: ROGDI-related condition.
Amelocerebrohypohidrotic syndrome (KTZS). Also called: EPILEPSY AND YELLOW TEETH; EPILEPSY, DEMENTIA, AND AMELOGENESIS IMPERFECTA; KOHLSCHUTTER SYNDROME; Kohlschutter's syndrome. Identifiers: Orphanet 1946, MedGen C0406740, MONDO:0009185, OMIM 226750.

Allele frequency attached by ClinVar (database versions not stated): gnomAD 0.00001; TOPMed 0.00002.
gnomAD v4.1: 13 of 1,552,246 alleles (0.00084%); highest among the groups gnomAD compares: Middle Eastern, 0.034%; no homozygotes.

Submissions (3):

Labcorp Genetics (formerly Invitae), Labcorp
Classification: Uncertain significance for Amelocerebrohypohidrotic syndrome. Last evaluated: 2022-06-22. Review status: criteria provided, single submitter. Criteria: Invitae Variant Classification Sherloc (09022015). Collection method: clinical testing. Allele origin: germline.
Comment: In summary, the available evidence is currently insufficient to determine the role of this variant in disease. Therefore, it has been classified as a Variant of Uncertain Significance. Variants that disrupt the consensus splice site are a relatively common cause of aberrant splicing (PMID: 17576681, 9536098). Algorithms developed to predict the effect of sequence changes on RNA splicing suggest that this variant is not likely to affect RNA splicing. ClinVar contains an entry for this variant (Variation ID: 853841). This variant has not been reported in the literature in individuals affected with ROGDI-related conditions. This variant is present in population databases (no rsID available, gnomAD 0.001%). This sequence change affects codon 177 of the ROGDI mRNA. It is a 'silent' change, meaning that it does not change the encoded amino acid sequence of the ROGDI protein. This variant also falls at the last nucleotide of exon 7, which is part of the consensus splice site for this exon.

Blueprint Genetics
Classification: Uncertain significance. Last evaluated: 2018-04-06. Review status: criteria provided, single submitter. Criteria: ACMG Guidelines, 2015. Collection method: clinical testing. Allele origin: germline.

PreventionGenetics, part of Exact Sciences
Classification: Likely benign for ROGDI-related condition. Last evaluated: 2024-08-15. Review status: no assertion criteria provided. Collection method: clinical testing. Allele origin: germline. Not counted in ClinVar's aggregate classification.
Comment: This variant is classified as likely benign based on ACMG/AMP sequence variant interpretation guidelines (Richards et al. 2015 PMID: 25741868, with internal and published modifications).

Literature cited by the submitters: PubMed 17576681 (cited by Labcorp Genetics (formerly Invitae), Labcorp); PubMed 9536098 (cited by Labcorp Genetics (formerly Invitae), Labcorp).